The following is an entry in ClinVar:

ClinVar aggregate classification (germline): Uncertain significance (1 of 4 stars; one submission).

Conditions:
Hereditary cancer-predisposing syndrome. Also called: Hereditary neoplastic syndrome; Neoplastic Syndromes, Hereditary; Tumor predisposition; Hereditary Cancer Syndrome. Identifiers: Orphanet 140162, MedGen C0027672, MeSH D009386, MONDO:0015356.

Submission:

Ambry Genetics
Classification: Uncertain significance for Hereditary cancer-predisposing syndrome. Last evaluated: 2025-03-03. Review status: criteria provided, single submitter. Criteria: Ambry Variant Classification Scheme 2023. Collection method: clinical testing. Allele origin: germline.
Comment: The c.909C>G variant (also known as p.V303V), located in coding exon 4 of the BARD1 gene, results from a C to G substitution at nucleotide position 909. This nucleotide substitution does not change the amino acid at codon 303. This nucleotide position is well conserved in available vertebrate species. In silico splice site analysis for this alteration is inconclusive. Based on the available evidence, the clinical significance of this variant remains unclear.

NM_000465.4(BARD1):c.909C>G (p.Val303=)

Gene: BARD1 (BRCA1 associated RING domain 1; minus strand). Cytogenetic location: 2q35.
Variant type: single nucleotide variant.
Coding change: c.909C>G on transcript NM_000465.4 (MANE Select); coding-DNA position 909, C replaced by G.
Protein change: p.Val303=; no amino-acid change (valine 303 retained).
Molecular consequence: synonymous variant. On other transcripts: non-coding transcript variant (2), intron variant (3).
Genome position (GRCh38, 1-based): chr2:214,780,965, G>C on the plus strand (C>G on the coding strand, the complement: BARD1 is on the minus strand). VCF-style: chr2-214780965-G-C. GRCh37 (hg19) VCF-style: chr2-215645689-G-C.
Other names: c.852C>G, p.Val284= (NM_001282543.2); c.159-28410C>G (NM_001282548.2); c.215+16096C>G (NM_001282545.2); c.364+11332C>G (NM_001282549.2).
Identifiers: ClinVar variation 3820672 (VCV003820672.1).